The following is an entry in ClinVar:

ClinVar aggregate classification (germline): Uncertain significance. Review status: criteria provided, multiple submitters, no conflicts (2 of 4 stars). 5 submissions from 5 submitters: Uncertain significance (3). 2 of the submissions do not count toward it. Last evaluated 2026-05-13.

Conditions:
GJB2-related disorder. Also called: GJB2-related condition; GJB2-related disorders. Identifiers: MedGen CN382183, MONDO:1060236.

Allele frequency attached by ClinVar (database versions not stated): TOPMed below 0.00001; gnomAD exomes 0.00003; ExAC 0.00006.
gnomAD v4.1: 29 of 1,613,576 alleles (0.0018%); highest among the groups gnomAD compares: Non-Finnish European, 0.002%; no homozygotes.

Submissions (5):

PreventionGenetics, part of Exact Sciences
Classification: Uncertain significance for GJB2-related condition. Last evaluated: 2026-05-13. Review status: criteria provided, single submitter. Criteria: ACMG Guidelines, 2015. Collection method: clinical testing. Allele origin: germline.
Comment: The GJB2 c.647G>T variant is predicted to result in the amino acid substitution p.Arg216Ile. To our knowledge, this variant has not been reported in the literature. This variant is reported in 0.0062% of alleles in individuals of European (Non-Finnish) descent in gnomAD. At this time, the clinical significance of this variant is uncertain due to the absence of conclusive functional and genetic evidence.

Women's Health and Genetics/Laboratory Corporation of America, LabCorp
Classification: Uncertain significance. Last evaluated: 2024-09-26. Review status: criteria provided, single submitter. Criteria: LabCorp Variant Classification Summary - May 2015. Collection method: clinical testing. Allele origin: germline.
Comment: Variant summary: GJB2 c.647G>T (p.Arg216Ile) results in a non-conservative amino acid change in the encoded protein sequence. Four of five in-silico tools predict a damaging effect of the variant on protein function. The variant allele was found at a frequency of 3.2e-05 in 249518 control chromosomes. The available data on variant occurrences in the general population are insufficient to allow any conclusion about variant significance. To our knowledge, no occurrence of c.647G>T in individuals affected with Non-Syndromic Hearing Loss and no experimental evidence demonstrating its impact on protein function have been reported. ClinVar contains an entry for this variant (Variation ID: 1297639). Based on the evidence outlined above, the variant was classified as uncertain significance.

Blueprint Genetics
Classification: Uncertain significance. Last evaluated: 2024-03-14. Review status: criteria provided, single submitter. Criteria: ACMG Guidelines, 2015. Collection method: clinical testing. Allele origin: germline.

Clinical Genetics DNA and cytogenetics Diagnostics Lab, Erasmus MC, Erasmus Medical Center
Classification: Uncertain significance. Review status: no assertion criteria provided. Collection method: clinical testing. Allele origin: germline. Affected: yes. Study: VKGL Data-share Consensus. Not counted in ClinVar's aggregate classification.

Joint Genome Diagnostic Labs from Nijmegen and Maastricht, Radboudumc and MUMC+
Classification: Uncertain significance. Review status: no assertion criteria provided. Collection method: clinical testing. Allele origin: germline. Affected: yes. Study: VKGL Data-share Consensus. Not counted in ClinVar's aggregate classification.

NM_004004.6(GJB2):c.647G>T (p.Arg216Ile)

Gene: GJB2 (gap junction protein beta 2; minus strand). Cytogenetic location: 13q12.11.
Variant type: single nucleotide variant.
Coding change: c.647G>T on transcript NM_004004.6 (MANE Select); coding-DNA position 647, G replaced by T.
Protein change: p.Arg216Ile; replaces arginine 216 with isoleucine.
Molecular consequence: missense variant.
Genome position (GRCh38, 1-based): chr13:20,188,935, C>A on the plus strand (G>T on the coding strand, the complement: GJB2 is on the minus strand). VCF-style: chr13-20188935-C-A. GRCh37 (hg19) VCF-style: chr13-20763074-C-A.
Other names: c.647G>T (NM_004004.5); short protein forms R216I.
Identifiers: ClinVar variation 1297639 (VCV001297639.6), dbSNP rs767233008, ClinGen allele CA6904219.